The following is an entry in ClinVar:

NM_012233.3(RAB3GAP1):c.*1826G>C

Gene: RAB3GAP1 (RAB3 GTPase activating protein catalytic subunit 1; plus strand). Cytogenetic location: 2q21.3.
Variant type: single nucleotide variant.
Coding change: c.*1826G>C on transcript NM_012233.3 (MANE Select); 1826 bases downstream of the stop codon, G replaced by C.
Molecular consequence: 3 prime UTR variant.
Genome position (GRCh38, 1-based): chr2:135,170,607, G>C. VCF-style: chr2-135170607-G-C. GRCh37 (hg19) VCF-style: chr2-135928177-G-C.
Other names: c.*1826G>C (NM_001172435.2).
Identifiers: ClinVar variation 893176 (VCV000893176.5), dbSNP rs114264557, ClinGen allele CA56588843.

ClinVar aggregate classification (germline): Benign. Review status: criteria provided, multiple submitters, no conflicts (2 of 4 stars). 2 submissions from 2 submitters: Benign (2). Last evaluated 2018-01-12.

Conditions:
Warburg micro syndrome 1 (WARBM1). Identifiers: Orphanet 2510, MedGen C1838625, MONDO:0010822, OMIM 600118.

Allele frequency attached by ClinVar (database versions not stated): gnomAD 0.00305 and 0.00318; TOPMed 0.00350; 1000 Genomes Project 30x 0.00468; 1000 Genomes Project 0.00499.

Submissions (2):

Illumina Laboratory Services, Illumina
Classification: Benign for Warburg micro syndrome 1. Last evaluated: 2018-01-12. Review status: criteria provided, single submitter. Criteria: ICSL Variant Classification Criteria 13 December 2019. Collection method: clinical testing. Allele origin: germline.
Comment: This variant was observed in the ICSL laboratory as part of a predisposition screen in an ostensibly healthy population. It had not been previously curated by ICSL or reported in the Human Gene Mutation Database (HGMD: prior to June 1st, 2018), and was therefore a candidate for classification through an automated scoring system. Utilizing variant allele frequency, disease prevalence and penetrance estimates, and inheritance mode, an automated score was calculated to assess if this variant is too frequent to cause the disease. Based on the score and internal cut-off values, a variant classified as benign is not then subjected to further curation. The score for this variant resulted in a classification of benign for this disease.

Breakthrough Genomics
Classification: Benign. Review status: criteria provided, single submitter. Criteria: ACMG Guidelines, 2015. Collection method: not provided. Allele origin: germline. Inheritance: Autosomal recessive inheritance. Affected: yes.